The following is an entry in ClinVar:

ClinVar aggregate classification (germline): Likely pathogenic (1 of 4 stars; one submission).

Submission:

Labcorp Genetics (formerly Invitae), Labcorp
Classification: Likely pathogenic. Last evaluated: 2022-09-14. Review status: criteria provided, single submitter. Criteria: Invitae Variant Classification Sherloc (09022015). Collection method: clinical testing. Allele origin: germline.
Comment: In summary, the currently available evidence indicates that the variant is pathogenic, but additional data are needed to prove that conclusively. Therefore, this variant has been classified as Likely Pathogenic. Algorithms developed to predict the effect of sequence changes on RNA splicing suggest that this variant may disrupt the consensus splice site. Disruption of this splice site has been observed in individual(s) with Gitelman syndrome (PMID: 27454426). This variant is not present in population databases (gnomAD no frequency). This sequence change affects a donor splice site in intron 23 of the SLC12A3 gene. It is expected to disrupt RNA splicing. Variants that disrupt the donor or acceptor splice site typically lead to a loss of protein function (PMID: 16199547), and loss-of-function variants in SLC12A3 are known to be pathogenic (PMID: 20848653, 22009145, 25841442).

Literature cited by the submitters: PubMed 27454426; PubMed 16199547; PubMed 20848653; PubMed 22009145; PubMed 25841442.

NM_001126108.2(SLC12A3):c.2720+2T>G

Gene: SLC12A3 (solute carrier family 12 member 3; plus strand). Cytogenetic location: 16q13.
Variant type: single nucleotide variant.
Coding change: c.2720+2T>G on transcript NM_001126108.2 (MANE Select); the canonical splice donor site of the intron after coding-DNA position 2720, T replaced by G.
Molecular consequence: splice donor variant.
Genome position (GRCh38, 1-based): chr16:56,899,618, T>G. VCF-style: chr16-56899618-T-G. GRCh37 (hg19) VCF-style: chr16-56933530-T-G.
Other names: c.2747+2T>G (NM_000339.3); c.2744+2T>G (NM_001126107.2); c.2717+2T>G (NM_001410896.1).
Identifiers: ClinVar variation 2137831 (VCV002137831.4), dbSNP rs2543552724, ClinGen allele CA395999430.